The following is an entry in ClinVar:

ClinVar aggregate classification (germline): Uncertain significance. Review status: criteria provided, multiple submitters, no conflicts (2 of 4 stars). 2 submissions from 2 submitters: Uncertain significance (2). Last evaluated 2023-07-03.

Conditions:
Hereditary cancer-predisposing syndrome. Also called: Neoplastic Syndromes, Hereditary; Tumor predisposition; Hereditary neoplastic syndrome; Hereditary Cancer Syndrome. Identifiers: Orphanet 140162, MedGen C0027672, MeSH D009386, MONDO:0015356.
Neuroblastoma, susceptibility to, 2. Identifiers: Orphanet 635, MedGen C2751682, MONDO:0700041, OMIM 613013.

Submissions (2):

Baylor Genetics
Classification: Uncertain significance for Neuroblastoma, susceptibility to, 2. Last evaluated: 2023-07-03. Review status: criteria provided, single submitter. Criteria: ACMG Guidelines, 2015. Collection method: clinical testing. Allele origin: unknown.

Ambry Genetics
Classification: Uncertain significance for Hereditary cancer-predisposing syndrome. Last evaluated: 2019-04-04. Review status: criteria provided, single submitter. Criteria: Ambry Variant Classification Scheme 2023. Collection method: clinical testing. Allele origin: germline.
Comment: The p.K134R variant (also known as c.401A>G), located in coding exon 2 of the PHOX2B gene, results from an A to G substitution at nucleotide position 401. The lysine at codon 134 is replaced by arginine, an amino acid with highly similar properties. This amino acid position is highly conserved in available vertebrate species. In addition, the in silico prediction for this alteration is inconclusive. Since supporting evidence is limited at this time, the clinical significance of this alteration remains unclear.

NM_003924.4(PHOX2B):c.401A>G (p.Lys134Arg)

Gene: PHOX2B (paired like homeobox 2B; minus strand). Cytogenetic location: 4p13.
Variant type: single nucleotide variant.
Coding change: c.401A>G on transcript NM_003924.4 (MANE Select); coding-DNA position 401, A replaced by G.
Protein change: p.Lys134Arg; replaces lysine 134 with arginine.
Molecular consequence: missense variant.
Genome position (GRCh38, 1-based): chr4:41,747,377, T>C on the plus strand (A>G on the coding strand, the complement: PHOX2B is on the minus strand). VCF-style: chr4-41747377-T-C. GRCh37 (hg19) VCF-style: chr4-41749394-T-C.
Other names: short protein forms K134R.
Identifiers: ClinVar variation 824504 (VCV000824504.5), dbSNP rs1400901317, ClinGen allele CA356739876.